The following is an entry in ClinVar:

NM_003664.5(AP3B1):c.1741A>G (p.Ile581Val)

Gene: AP3B1 (adaptor related protein complex 3 subunit beta 1; minus strand). Cytogenetic location: 5q14.1.
Variant type: single nucleotide variant.
Coding change: c.1741A>G on transcript NM_003664.5 (MANE Select); coding-DNA position 1741, A replaced by G.
Protein change: p.Ile581Val; replaces isoleucine 581 with valine.
Molecular consequence: missense variant.
Genome position (GRCh38, 1-based): chr5:78,129,217, T>C on the plus strand (A>G on the coding strand, the complement: AP3B1 is on the minus strand). VCF-style: chr5-78129217-T-C. GRCh37 (hg19) VCF-style: chr5-77425041-T-C.
Other names: c.1594A>G, p.Ile532Val (NM_001271769.2); c.1741A>G (NM_003664.3); short protein forms I532V, I581V.
Identifiers: ClinVar variation 1060793 (VCV001060793.7), dbSNP rs751683762, ClinGen allele CA3316974.
Genomic context (GRCh38, chr5:78,129,217, plus strand): 5'-GTGCTAGGAATATTTTTTTGGCATATTTACTTAAAGCTCCACTCTTTACATTCGGAACAA[T>C]AAGCTGCCTAATAAATCTTGTACGGTCTCTGATGTCGTAGTTTTGATCATACTTGCCGAG-3'
Protein context (NP_003655.3, residues 571-591): RDRTRFIRQL[Ile581Val]VPNVKSGALS

ClinVar aggregate classification (germline): Uncertain significance. Review status: criteria provided, multiple submitters, no conflicts (2 of 4 stars). 2 submissions from 2 submitters: Uncertain significance (2). Last evaluated 2025-05-01.

Conditions:
Inborn genetic diseases. Identifiers: MedGen C0950123, MeSH D030342.
Hermansky-Pudlak syndrome 2 (HPS2). Also called: Platelet defects and oculocutaneous albinism. Identifiers: Orphanet 183678, Orphanet 79430, MedGen C1842362, MONDO:0011997, OMIM 608233.

Allele frequency attached by ClinVar (database versions not stated): gnomAD exomes below 0.00001 and 0.00002; ExAC 0.00001; gnomAD 0.00011 and 0.00013; TOPMed 0.00011.
gnomAD v4.1: 28 of 1,613,044 alleles (0.0017%); highest among the groups gnomAD compares: African/African-American, 0.021%; no homozygotes.

Submissions (2):

Ambry Genetics
Classification: Uncertain significance for Inborn genetic diseases. Last evaluated: 2025-05-01. Review status: criteria provided, single submitter. Criteria: Ambry Variant Classification Scheme 2023. Collection method: clinical testing. Allele origin: germline.

Labcorp Genetics (formerly Invitae), Labcorp
Classification: Uncertain significance for Hermansky-Pudlak syndrome 2. Last evaluated: 2022-10-17. Review status: criteria provided, single submitter. Criteria: Invitae Variant Classification Sherloc (09022015). Collection method: clinical testing. Allele origin: germline.
Comment: This sequence change replaces isoleucine, which is neutral and non-polar, with valine, which is neutral and non-polar, at codon 581 of the AP3B1 protein (p.Ile581Val). This variant is present in population databases (rs751683762, gnomAD 0.01%). This variant has not been reported in the literature in individuals affected with AP3B1-related conditions. ClinVar contains an entry for this variant (Variation ID: 1060793). Algorithms developed to predict the effect of missense changes on protein structure and function (SIFT, PolyPhen-2, Align-GVGD) all suggest that this variant is likely to be tolerated. In summary, the available evidence is currently insufficient to determine the role of this variant in disease. Therefore, it has been classified as a Variant of Uncertain Significance.